The following is an entry in ClinVar:

ClinVar aggregate classification (germline): Uncertain significance. Review status: criteria provided, multiple submitters, no conflicts (2 of 4 stars). 3 submissions from 3 submitters: Uncertain significance (3). Last evaluated 2025-09-05.

Conditions:
Cardiovascular phenotype. Identifiers: MedGen CN230736.

Allele frequency attached by ClinVar (database versions not stated): gnomAD exomes below 0.00001.

Submissions (3):

Ambry Genetics
Classification: Uncertain significance for Cardiovascular phenotype. Last evaluated: 2025-09-05. Review status: criteria provided, single submitter. Criteria: Ambry Variant Classification Scheme 2023. Collection method: clinical testing. Allele origin: germline.
Comment: The p.M476V variant (also known as c.1426A>G), located in coding exon 11 of the KCNQ1 gene, results from an A to G substitution at nucleotide position 1426. The methionine at codon 476 is replaced by valine, an amino acid with highly similar properties. This amino acid position is poorly conserved in available vertebrate species. In addition, the in silico prediction for this alteration is inconclusive. Based on the available evidence, the clinical significance of this variant remains unclear.

GeneDx
Classification: Uncertain significance. Last evaluated: 2019-07-23. Review status: criteria provided, single submitter. Criteria: GeneDx Variant Classification Process June 2021. Collection method: clinical testing. Allele origin: germline. Affected: yes.
Comment: Not observed at a significant frequency in large population cohorts (Lek et al., 2016); In silico analysis, which includes protein predictors and evolutionary conservation, supports that this variant does not alter protein structure/function; Has not been previously published as pathogenic or benign to our knowledge

Stanford Center for Inherited Cardiovascular Disease, Stanford University
Classification: Uncertain significance. Last evaluated: 2015-02-10. Review status: criteria provided, single submitter. Criteria: ACMG Guidelines, 2015. Collection method: provider interpretation. Allele origin: germline.

NM_000218.3(KCNQ1):c.1426A>G (p.Met476Val)

Genes: KCNQ1 (potassium voltage-gated channel subfamily Q member 1; plus strand), KCNQ1OT1 (KCNQ1 opposite strand/antisense transcript 1; minus strand). Cytogenetic location: 11p15.5.
Variant type: single nucleotide variant.
Coding change: c.1426A>G on transcript NM_000218.3 (MANE Select); coding-DNA position 1426, A replaced by G.
Protein change: p.Met476Val; replaces methionine 476 with valine.
Molecular consequence: missense variant.
Genome position (GRCh38, 1-based): chr11:2,661,993, A>G. VCF-style: chr11-2661993-A-G. GRCh37 (hg19) VCF-style: chr11-2683223-A-G.
Other names: p.M476V:ATG>GTG; c.1330A>G, p.Met444Val (NM_001406836.1); c.1156A>G, p.Met386Val (NM_001406837.1); c.886A>G, p.Met296Val (NM_001406838.1); c.1045A>G, p.Met349Val (NM_181798.2); short protein forms M349V, M476V, M296V, M444V, M386V.
Identifiers: ClinVar variation 200848 (VCV000200848.10), dbSNP rs794728529, ClinGen allele CA005752.